The following is an entry in ClinVar:

ClinVar aggregate classification (germline): Uncertain significance. Review status: criteria provided, multiple submitters, no conflicts (2 of 4 stars). 2 submissions from 2 submitters: Uncertain significance (2). Last evaluated 2024-03-01.

Conditions:
Peripheral neuropathy. Also called: Neuropathy. Identifiers: MedGen C0031117, MONDO:0005244, HP:0009830.

Allele frequency attached by ClinVar (database versions not stated): TOPMed 0.00004; ESP Exome Variant Server 0.00008.
gnomAD v4.1: 24 of 1,613,480 alleles (0.0015%); highest among the groups gnomAD compares: Middle Eastern, 0.082%; no homozygotes.

Submissions (2):

Ambry Genetics
Classification: Uncertain significance. Last evaluated: 2024-03-01. Review status: criteria provided, single submitter. Criteria: Ambry Variant Classification Scheme 2023. Collection method: clinical testing. Allele origin: germline.

Labcorp Genetics (formerly Invitae), Labcorp
Classification: Uncertain significance for Peripheral neuropathy. Last evaluated: 2023-05-15. Review status: criteria provided, single submitter. Criteria: Invitae Variant Classification Sherloc (09022015). Collection method: clinical testing. Allele origin: germline.
Comment: This sequence change replaces arginine, which is basic and polar, with tryptophan, which is neutral and slightly polar, at codon 592 of the FLRT1 protein (p.Arg592Trp). This variant is present in population databases (rs375487485, gnomAD 0.02%). This variant has not been reported in the literature in individuals affected with FLRT1-related conditions. ClinVar contains an entry for this variant (Variation ID: 645543). An algorithm developed to predict the effect of missense changes on protein structure and function (PolyPhen-2) suggests that this variant is likely to be disruptive. In summary, the available evidence is currently insufficient to determine the role of this variant in disease. Therefore, it has been classified as a Variant of Uncertain Significance.

NM_013280.5(FLRT1):c.1774C>T (p.Arg592Trp)

Genes: FLRT1 (fibronectin leucine rich transmembrane protein 1; plus strand), MACROD1 (mono-ADP ribosylhydrolase 1; minus strand). Cytogenetic location: 11q13.1.
Variant type: single nucleotide variant.
Coding change: c.1774C>T on transcript NM_013280.5 (MANE Select); coding-DNA position 1774, C replaced by T.
Protein change: p.Arg592Trp; replaces arginine 592 with tryptophan.
Molecular consequence: missense variant. On other transcripts: intron variant (2).
Genome position (GRCh38, 1-based): chr11:64,118,041, C>T. VCF-style: chr11-64118041-C-T. GRCh37 (hg19) VCF-style: chr11-63885513-C-T.
Other names: c.1774C>T, p.Arg592Trp (NM_001384466.1); c.1690C>T, p.Arg564Trp (NM_001423967.1); c.517+33198G>A (NM_001411019.1, NM_014067.4); short protein forms R592W, R564W.
Identifiers: ClinVar variation 645543 (VCV000645543.9), dbSNP rs375487485, ClinGen allele CA6067782.